The following is an entry in ClinVar:

NM_006904.7(PRKDC):c.571A>G (p.Asn191Asp)

Gene: PRKDC (protein kinase, DNA-activated, catalytic subunit; minus strand). Cytogenetic location: 8q11.21.
Variant type: single nucleotide variant.
Coding change: c.571A>G on transcript NM_006904.7 (MANE Select); coding-DNA position 571, A replaced by G.
Protein change: p.Asn191Asp; replaces asparagine 191 with aspartic acid.
Molecular consequence: missense variant.
Genome position (GRCh38, 1-based): chr8:47,953,857, T>C on the plus strand (A>G on the coding strand, the complement: PRKDC is on the minus strand). VCF-style: chr8-47953857-T-C. GRCh37 (hg19) VCF-style: chr8-48866417-T-C.
Other names: c.571A>G, p.Asn191Asp (NM_001081640.2); short protein forms N191D.
Identifiers: ClinVar variation 3425236 (VCV003425236.1).

ClinVar aggregate classification (germline): Uncertain significance (1 of 4 stars; one submission).

gnomAD v4.1: 1 of 1,569,596 alleles (0.000064%); no homozygotes.

Submission:

Ambry Genetics
Classification: Uncertain significance. Last evaluated: 2024-07-05. Review status: criteria provided, single submitter. Criteria: Ambry Variant Classification Scheme 2023. Collection method: clinical testing. Allele origin: germline.
Comment: The p.N191D variant (also known as c.571A>G), located in coding exon 6 of the PRKDC gene, results from an A to G substitution at nucleotide position 571. The asparagine at codon 191 is replaced by aspartic acid, an amino acid with highly similar properties. This amino acid position is conserved. In addition, this alteration is predicted to be tolerated by in silico analysis. Based on the available evidence, the clinical significance of this variant remains unclear.